The following is an entry in ClinVar:

ClinVar aggregate classification (germline): Uncertain significance (1 of 4 stars; one submission).

Conditions:
Werner syndrome (WRN). Identifiers: Orphanet 902, MedGen C0043119, MONDO:0010196, OMIM 277700.

Submission:

Labcorp Genetics (formerly Invitae), Labcorp
Classification: Uncertain significance for Werner syndrome. Last evaluated: 2022-08-05. Review status: criteria provided, single submitter. Criteria: Invitae Variant Classification Sherloc (09022015). Collection method: clinical testing. Allele origin: germline.
Comment: This sequence change replaces lysine, which is basic and polar, with glutamic acid, which is acidic and polar, at codon 187 of the WRN protein (p.Lys187Glu). This variant is not present in population databases (gnomAD no frequency). This variant has not been reported in the literature in individuals affected with WRN-related conditions. Algorithms developed to predict the effect of missense changes on protein structure and function are either unavailable or do not agree on the potential impact of this missense change (SIFT: "Not Available"; PolyPhen-2: "Possibly Damaging"; Align-GVGD: "Not Available"). In summary, the available evidence is currently insufficient to determine the role of this variant in disease. Therefore, it has been classified as a Variant of Uncertain Significance.

NM_000553.6(WRN):c.559A>G (p.Lys187Glu)

Gene: WRN (WRN RecQ like helicase; plus strand). Cytogenetic location: 8p12.
Variant type: single nucleotide variant.
Coding change: c.559A>G on transcript NM_000553.6 (MANE Select); coding-DNA position 559, A replaced by G.
Protein change: p.Lys187Glu; replaces lysine 187 with glutamic acid.
Molecular consequence: missense variant.
Genome position (GRCh38, 1-based): chr8:31,067,087, A>G. VCF-style: chr8-31067087-A-G. GRCh37 (hg19) VCF-style: chr8-30924603-A-G.
Other names: short protein forms K187E.
Identifiers: ClinVar variation 2199536 (VCV002199536.1), dbSNP rs2535887210, ClinGen allele CA370916042.
Genomic context (GRCh38, chr8:31,067,087, plus strand): 5'-TTCTAGCTGAAATGCACAGAGACCTGGAGCCTTAACAGTCTGGTTAAACACCTCTTAGGT[A>G]AACAGCTCCTGAAAGACAAGTCTATCCGCTGTAGCAATTGGAGTAAATTTCCTCTCACTG-3'
Protein context (NP_000544.2, residues 177-197): LNSLVKHLLG[Lys187Glu]QLLKDKSIRC